The following is an entry in ClinVar:

ClinVar aggregate classification (germline): Uncertain significance (1 of 4 stars; one submission).

Submission:

GeneDx
Classification: Uncertain significance. Last evaluated: 2024-06-09. Review status: criteria provided, single submitter. Criteria: GeneDx Variant Classification Process June 2021. Collection method: clinical testing. Allele origin: germline. Affected: yes.
Comment: Not observed at significant frequency in large population cohorts (gnomAD); In silico analysis indicates that this missense variant does not alter protein structure/function; Has not been previously published as pathogenic or benign to our knowledge

NM_052867.4(NALCN):c.2325G>T (p.Arg775Ser)

Gene: NALCN (sodium leak channel, non-selective; minus strand). Cytogenetic location: 13q33.1.
Variant type: single nucleotide variant.
Coding change: c.2325G>T on transcript NM_052867.4 (MANE Select); coding-DNA position 2325, G replaced by T.
Protein change: p.Arg775Ser; replaces arginine 775 with serine.
Molecular consequence: missense variant.
Genome position (GRCh38, 1-based): chr13:101,110,658, C>A on the plus strand (G>T on the coding strand, the complement: NALCN is on the minus strand). VCF-style: chr13-101110658-C-A. GRCh37 (hg19) VCF-style: chr13-101763009-C-A.
Other names: c.2412G>T, p.Arg804Ser (NM_001350748.2); c.2325G>T, p.Arg775Ser (NM_001350749.2); c.2238G>T, p.Arg746Ser (NM_001350750.2, NM_001350751.2); short protein forms R746S, R775S, R804S.
Identifiers: ClinVar variation 3384609 (VCV003384609.1).